The following is an entry in ClinVar:

NM_001042492.3(NF1):c.3590C>T (p.Ala1197Val)

Gene: NF1 (neurofibromin 1; plus strand). Cytogenetic location: 17q11.2.
Variant type: single nucleotide variant.
Coding change: c.3590C>T on transcript NM_001042492.3 (MANE Select); coding-DNA position 3590, C replaced by T.
Protein change: p.Ala1197Val; replaces alanine 1197 with valine.
Molecular consequence: missense variant.
Genome position (GRCh38, 1-based): chr17:31,233,095, C>T. VCF-style: chr17-31233095-C-T. GRCh37 (hg19) VCF-style: chr17-29560113-C-T.
Other names: c.3590C>T, p.Ala1197Val (NM_000267.4); short protein forms A1197V.
Identifiers: ClinVar variation 216401 (VCV000216401.9), dbSNP rs370820478, ClinGen allele CA336812.

ClinVar aggregate classification (germline): Conflicting classifications of pathogenicity. Review status: criteria provided, conflicting classifications (1 of 4 stars). 4 submissions from 4 submitters: Likely pathogenic (2); Uncertain significance (2). Last evaluated 2025-07-30.

Conditions:
Cardiovascular phenotype. Identifiers: MedGen CN230736.
Hereditary cancer-predisposing syndrome. Also called: Tumor predisposition; Hereditary Cancer Syndrome; Neoplastic Syndromes, Hereditary; Hereditary neoplastic syndrome. Identifiers: Orphanet 140162, MedGen C0027672, MeSH D009386, MONDO:0015356.
Neurofibromatosis, type 1 (NF1). Also called: VON RECKLINGHAUSEN DISEASE; Peripheral type neurofibromatosis; Neurofibromatosis, type I; NEUROFIBROMATOSIS, TYPE I, SOMATIC. Identifiers: Orphanet 636, MedGen C0027831, MONDO:0018975, OMIM 162200. Disease mechanism: loss of function.

Submissions (4):

Labcorp Genetics (formerly Invitae), Labcorp
Classification: Uncertain significance for Neurofibromatosis, type 1. Last evaluated: 2025-07-30. Review status: criteria provided, single submitter. Criteria: Invitae Variant Classification Sherloc (09022015). Collection method: clinical testing. Allele origin: germline.
Comment: This sequence change replaces alanine, which is neutral and non-polar, with valine, which is neutral and non-polar, at codon 1197 of the NF1 protein (p.Ala1197Val). This variant is not present in population databases (gnomAD no frequency). This variant has not been reported in the literature in individuals affected with NF1-related conditions. ClinVar contains an entry for this variant (Variation ID: 216401). Invitae Evidence Modeling of protein sequence and biophysical properties (such as structural, functional, and spatial information, amino acid conservation, physicochemical variation, residue mobility, and thermodynamic stability) indicates that this missense variant is expected to disrupt NF1 protein function with a positive predictive value of 95%. In summary, the available evidence is currently insufficient to determine the role of this variant in disease. Therefore, it has been classified as a Variant of Uncertain Significance.

NHS Central & South Genomic Laboratory Hub
Classification: Likely pathogenic for Neurofibromatosis type 1. Last evaluated: 2025-04-09. Review status: criteria provided, single submitter. Criteria: ACMG Guidelines, 2015. Collection method: clinical testing. Allele origin: germline. Affected: yes.

Department Of Biochemistry, Hamamatsu University School Of Medicine
Classification: Likely pathogenic for Neurofibromatosis, type 1. Last evaluated: 2023-05-15. Review status: criteria provided, single submitter. Criteria: ACMG Guidelines, 2015. Collection method: research. Allele origin: de novo. Inheritance: Sporadic. Affected: yes.
Comment: Sanger sequencing confirmed that this variant was de novo. This variant was absent from the public databases, including the Genome Aggregation Database (gnomAD) v3.1.2 , ToMMo 38KJPN Allele Frequency Panel, and 82 in-house Japanese exome control data. All three variants were evolutionarily highly conserved and predicted to be deleterious by multiple pathogenicity prediction tools. Based on American College of Medical Genetics and Genomics standards and guidelines, the c.3590C>T, p.(Ala1197Val) variant in NF1 was classified as likely pathogenic (PS2, PM2, PP3).

Ambry Genetics
Classification: Uncertain significance for Cardiovascular phenotype; Hereditary cancer-predisposing syndrome. Last evaluated: 2023-04-18. Review status: criteria provided, single submitter. Criteria: Ambry Variant Classification Scheme 2023. Collection method: clinical testing. Allele origin: germline.
Comment: The p.A1197V variant (also known as c.3590C>T), located in coding exon 27 of the NF1 gene, results from a C to T substitution at nucleotide position 3590. The alanine at codon 1197 is replaced by valine, an amino acid with similar properties. This amino acid position is highly conserved in available vertebrate species. In addition, this alteration is predicted to be deleterious by in silico analysis. Since supporting evidence is limited at this time, the clinical significance of this alteration remains unclear.